The following is an entry in ClinVar:

ClinVar aggregate classification (germline): Likely benign (1 of 4 stars; one submission).

Conditions:
Long QT syndrome (LQTS). Identifiers: MedGen C0023976, MeSH D008133, MONDO:0002442. Disease mechanism: loss of function. Inheritance: Various modes of inheritance.

Allele frequency attached by ClinVar (database versions not stated): gnomAD exomes below 0.00001.

Submission:

All of Us Research Program, National Institutes of Health
Classification: Likely benign for Long QT syndrome. Last evaluated: 2023-11-02. Review status: criteria provided, single submitter. Criteria: ACMG Guidelines, 2015. Collection method: clinical testing. Allele origin: germline. Inheritance: Autosomal dominant inheritance. Observed: 1 variant allele, 1 heterozygote.
Comment: This study involves interpretation of variants in research participants for the purpose of population health screening. Participant phenotype was not available at the time of variant classification. Additional details can be found in publication PMID: 35346344, PMCID: PMC8962531

NM_000238.4(KCNH2):c.90C>T (p.Ile30=)

Gene: KCNH2 (potassium voltage-gated channel subfamily H member 2; minus strand). Cytogenetic location: 7q36.1.
Variant type: single nucleotide variant.
Coding change: c.90C>T on transcript NM_000238.4 (MANE Select); coding-DNA position 90, C replaced by T.
Protein change: p.Ile30=; no amino-acid change (isoleucine 30 retained).
Molecular consequence: synonymous variant. On other transcripts: 5 prime UTR variant (1), non-coding transcript variant (1).
Genome position (GRCh38, 1-based): chr7:150,974,928, G>A on the plus strand (C>T on the coding strand, the complement: KCNH2 is on the minus strand). VCF-style: chr7-150974928-G-A. GRCh37 (hg19) VCF-style: chr7-150672016-G-A.
Other names: c.-88C>T (NM_001406755.1); c.90C>T, p.Ile30= (NM_172056.3).
Identifiers: ClinVar variation 3074294 (VCV003074294.1), dbSNP rs2117063909, ClinGen allele CA458872491.